The following is an entry in ClinVar:

ClinVar aggregate classification (germline): Benign/Likely benign. Review status: criteria provided, multiple submitters, no conflicts (2 of 4 stars). 2 submissions from 2 submitters: Benign (1); Likely benign (1). Last evaluated 2024-06-05.

Conditions:
Ataxia-telangiectasia syndrome (AT). Also called: ATAXIA-TELANGIECTASIA, COMPLEMENTATION GROUP A; ATAXIA-TELANGIECTASIA, FRESNO VARIANT; Ataxia-telangiectasia; Ataxia-telangiectasia, complementation group E; LOUIS-BAR SYNDROME; Cerebello-oculocutaneous telangiectasia. Identifiers: Orphanet 100, MedGen C0004135, MONDO:0008840, OMIM 208900.
Familial cancer of breast. Also called: BREAST CANCER, FAMILIAL; hereditary breast carcinoma; Hereditary breast cancer. Identifiers: Orphanet 227535, MedGen C0346153, MONDO:0016419, OMIM 114480. Disease mechanism: loss of function.

Submissions (2):

Myriad Genetics, Inc.
Classification: Benign for Familial cancer of breast. Last evaluated: 2024-06-05. Review status: criteria provided, single submitter. Criteria: Myriad Autosomal Dominant, Autosomal Recessive and X-Linked Classification Criteria (2023). Collection method: clinical testing. Allele origin: unknown.
Comment: This variant is considered benign. This variant is a silent/synonymous amino acid change and it is not expected to impact splicing.

Labcorp Genetics (formerly Invitae), Labcorp
Classification: Likely benign for Ataxia-telangiectasia syndrome. Last evaluated: 2022-09-13. Review status: criteria provided, single submitter. Criteria: Invitae Variant Classification Sherloc (09022015). Collection method: clinical testing. Allele origin: germline.

NM_000051.4(ATM):c.6324G>A (p.Gln2108=)

Genes: ATM (ATM serine/threonine kinase; plus strand), C11orf65 (chromosome 11 open reading frame 65; minus strand). Cytogenetic location: 11q22.3.
Variant type: single nucleotide variant.
Coding change: c.6324G>A on transcript NM_000051.4 (MANE Select); coding-DNA position 6324, G replaced by A.
Protein change: p.Gln2108=; no amino-acid change (glutamine 2108 retained).
Molecular consequence: synonymous variant. On other transcripts: intron variant (2).
Genome position (GRCh38, 1-based): chr11:108,317,498, G>A. VCF-style: chr11-108317498-G-A. GRCh37 (hg19) VCF-style: chr11-108188225-G-A.
Other names: c.6324G>A, p.Gln2108= (NM_001351834.2); c.641-8427C>T (NM_001330368.2); c.*39-8427C>T (NM_001351110.2).
Identifiers: ClinVar variation 2138197 (VCV002138197.4), dbSNP rs2136169496, ClinGen allele CA476676012.